The following is an entry in ClinVar:

ClinVar aggregate classification (germline): Likely benign. Review status: criteria provided, multiple submitters, no conflicts (2 of 4 stars). 2 submissions from 2 submitters: Likely benign (2). Last evaluated 2023-12-17.

Conditions:
Perrault syndrome. Also called: Gonadal dysgenesis with auditory dysfunction, autosomal recessive inheritance. Identifiers: Orphanet 2855, MedGen C0685838, MONDO:0017312.
Bifunctional peroxisomal enzyme deficiency (DBIF). Also called: DBP DEFICIENCY; PBFE DEFICIENCY; D-bifunctional protein deficiency. Identifiers: Orphanet 300, MedGen C0342870, MONDO:0009855, OMIM 261515. Disease mechanism: loss of function.

Allele frequency attached by ClinVar (database versions not stated): gnomAD exomes below 0.00001; TOPMed 0.00002.
gnomAD v4.1: 1 of 1,611,008 alleles (0.000062%); highest among the groups gnomAD compares: Admixed American, 0.0017%; no homozygotes.

Submissions (2):

Labcorp Genetics (formerly Invitae), Labcorp
Classification: Likely benign for Perrault syndrome; Bifunctional peroxisomal enzyme deficiency. Last evaluated: 2023-12-17. Review status: criteria provided, single submitter. Criteria: Invitae Variant Classification Sherloc (09022015). Collection method: clinical testing. Allele origin: germline.

Laboratory for Molecular Medicine, Mass General Brigham Personalized Medicine
Classification: Likely benign. Last evaluated: 2016-02-28. Review status: criteria provided, single submitter. Criteria: LMM Criteria. Collection method: clinical testing. Allele origin: germline. Observed: 1 variant allele.
Comment: c.2196+7T>C in intron 24 of HSD17B4: This variant is not expected to have clinic al significance because it is not located within the splice consensus sequence a nd computational tools do not predict an impact to splicing.

NM_000414.4(HSD17B4):c.2121+7T>C

Gene: HSD17B4 (hydroxysteroid 17-beta dehydrogenase 4; plus strand). Cytogenetic location: 5q23.1.
Variant type: single nucleotide variant.
Coding change: c.2121+7T>C on transcript NM_000414.4 (MANE Select); 7 bases into the intron after coding-DNA position 2121, T replaced by C.
Molecular consequence: intron variant.
Genome position (GRCh38, 1-based): chr5:119,536,557, T>C. VCF-style: chr5-119536557-T-C. GRCh37 (hg19) VCF-style: chr5-118872252-T-C.
Other names: c.2196+7T>C (NM_001199291.3); c.1701+7T>C (NM_001292028.2); c.2049+7T>C (NM_001292027.2); c.2067+7T>C (NM_001199292.2).
Identifiers: ClinVar variation 227435 (VCV000227435.8), dbSNP rs876657477, ClinGen allele CA10576644.